The following is an entry in ClinVar:

NM_001135556.2(DYNC1I1):c.1671C>T (p.Ala557=)

Gene: DYNC1I1 (dynein cytoplasmic 1 intermediate chain 1; plus strand). Cytogenetic location: 7q21.3.
Variant type: single nucleotide variant.
Coding change: c.1671C>T on transcript NM_001135556.2 (MANE Select); coding-DNA position 1671, C replaced by T.
Protein change: p.Ala557=; no amino-acid change (alanine 557 retained).
Molecular consequence: synonymous variant.
Genome position (GRCh38, 1-based): chr7:96,080,383, C>T. VCF-style: chr7-96080383-C-T. GRCh37 (hg19) VCF-style: chr7-95709695-C-T.
Other names: c.1611C>T, p.Ala537= (NM_001135557.2, NM_001278422.2); c.1662C>T, p.Ala554= (NM_001278421.2); c.1722C>T, p.Ala574= (NM_004411.5).
Identifiers: ClinVar variation 3046871 (VCV003046871.2), dbSNP rs370341645, ClinGen allele CA4352591.

ClinVar aggregate classification (germline): Likely benign (0 of 4 stars; one submission).

Conditions:
DYNC1I1-related disorder. Also called: DYNC1I1-related condition.

Allele frequency attached by ClinVar (database versions not stated): gnomAD exomes 0.00001; ExAC 0.00002; gnomAD 0.00002; TOPMed 0.00003; ESP Exome Variant Server 0.00008.
gnomAD v4.1: 18 of 1,610,106 alleles (0.0011%); highest among the groups gnomAD compares: Non-Finnish European, 0.001%; no homozygotes.

Submission:

PreventionGenetics, part of Exact Sciences
Classification: Likely benign for DYNC1I1-related condition. Last evaluated: 2019-03-14. Review status: no assertion criteria provided. Collection method: clinical testing. Allele origin: germline.
Comment: This variant is classified as likely benign based on ACMG/AMP sequence variant interpretation guidelines (Richards et al. 2015 PMID: 25741868, with internal and published modifications).